The following is an entry in ClinVar:

ClinVar aggregate classification (germline): Uncertain significance (1 of 4 stars; one submission).

Allele frequency attached by ClinVar (database versions not stated): TOPMed below 0.00001; gnomAD exomes 0.00003; ExAC 0.00005.

Submission:

Labcorp Genetics (formerly Invitae), Labcorp
Classification: Uncertain significance. Last evaluated: 2022-01-12. Review status: criteria provided, single submitter. Criteria: Invitae Variant Classification Sherloc (09022015). Collection method: clinical testing. Allele origin: germline.
Comment: In summary, the available evidence is currently insufficient to determine the role of this variant in disease. Therefore, it has been classified as a Variant of Uncertain Significance. This variant has not been reported in the literature in individuals affected with TIMM50-related conditions. This variant is present in population databases (rs773519864, gnomAD 0.04%). This sequence change creates a premature translational stop signal (p.Gln27*) in the TIMM50 gene. It is expected to result in an absent or disrupted protein product. However, the current clinical and genetic evidence is not sufficient to establish whether loss-of-function variants in TIMM50 cause disease.

NC_000019.10:g.39480623C>T

Gene: TIMM50 (translocase of inner mitochondrial membrane 50; plus strand). Cytogenetic location: 19q13.2.
Variant type: single nucleotide variant.
Genome position: GRCh38 VCF-style: chr19-39480623-C-T. GRCh37 (hg19) VCF-style: chr19-39971263-C-T.
Identifiers: ClinVar variation 2073427 (VCV002073427.4), dbSNP rs773519864, ClinGen allele CA9431542.